The following is an entry in ClinVar:

NM_000465.4(BARD1):c.2130C>T (p.Asp710=)

Gene: BARD1 (BRCA1 associated RING domain 1; minus strand). Cytogenetic location: 2q35.
Variant type: single nucleotide variant.
Coding change: c.2130C>T on transcript NM_000465.4 (MANE Select); coding-DNA position 2130, C replaced by T.
Protein change: p.Asp710=; no amino-acid change (aspartic acid 710 retained).
Molecular consequence: synonymous variant. On other transcripts: non-coding transcript variant (3).
Genome position (GRCh38, 1-based): chr2:214,728,880, G>A on the plus strand (C>T on the coding strand, the complement: BARD1 is on the minus strand). VCF-style: chr2-214728880-G-A. GRCh37 (hg19) VCF-style: chr2-215593604-G-A.
Other names: c.2073C>T, p.Asp691= (NM_001282543.2); c.777C>T, p.Asp259= (NM_001282545.2); c.720C>T, p.Asp240= (NM_001282548.2); c.591C>T, p.Asp197= (NM_001282549.2).
Identifiers: ClinVar variation 1786391 (VCV001786391.3), dbSNP rs2105987308, ClinGen allele CA431393600.

ClinVar aggregate classification (germline): Benign/Likely benign. Review status: criteria provided, multiple submitters, no conflicts (2 of 4 stars). 2 submissions from 2 submitters: Benign (1); Likely benign (1). Last evaluated 2024-07-29.

Conditions:
Hereditary cancer-predisposing syndrome. Also called: Neoplastic Syndromes, Hereditary; Tumor predisposition; Hereditary Cancer Syndrome; Hereditary neoplastic syndrome. Identifiers: Orphanet 140162, MedGen C0027672, MeSH D009386, MONDO:0015356.
Familial cancer of breast. Also called: BREAST CANCER, FAMILIAL; Hereditary breast cancer; hereditary breast carcinoma. Identifiers: Orphanet 227535, MedGen C0346153, MONDO:0016419, OMIM 114480. Disease mechanism: loss of function.

Submissions (2):

Myriad Genetics, Inc.
Classification: Benign for Familial cancer of breast. Last evaluated: 2024-07-29. Review status: criteria provided, single submitter. Criteria: Myriad Autosomal Dominant, Autosomal Recessive and X-Linked Classification Criteria (2023). Collection method: clinical testing. Allele origin: unknown.
Comment: This variant is considered benign. This variant is a silent/synonymous amino acid change and it is not expected to impact splicing.

Ambry Genetics
Classification: Likely benign for Hereditary cancer-predisposing syndrome. Last evaluated: 2017-10-25. Review status: criteria provided, single submitter. Criteria: Ambry Variant Classification Scheme 2023. Collection method: clinical testing. Allele origin: germline.